The following is an entry in ClinVar:

ClinVar aggregate classification (germline): Likely benign (1 of 4 stars; one submission).

Conditions:
UTP4-related disorder. Also called: UTP4-related condition.

gnomAD v4.1: 5 of 1,614,046 alleles (0.00031%); highest among the groups gnomAD compares: Admixed American, 0.0083%; no homozygotes.

Submission:

PreventionGenetics, part of Exact Sciences
Classification: Likely benign for UTP4-related condition. Last evaluated: 2025-11-01. Review status: criteria provided, single submitter. Criteria: ACMG Guidelines, 2015. Collection method: clinical testing. Allele origin: germline.
Comment: This variant is classified as likely benign based on ACMG/AMP sequence variant interpretation guidelines (Richards et al. 2015 PMID: 25741868, with internal and published modifications).

NM_032830.3(UTP4):c.240T>C (p.Asn80=)

Gene: UTP4 (UTP4 small subunit processome component). Cytogenetic location: 16q22.1.
Variant type: single nucleotide variant.
Coding change: c.240T>C on transcript NM_032830.3 (MANE Select); coding-DNA position 240, T replaced by C.
Protein change: p.Asn80=; no amino-acid change (asparagine 80 retained).
Molecular consequence: synonymous variant. On other transcripts: 5 prime UTR variant (1).
Genome position (GRCh38, 1-based): chr16:69,136,776, T>C. VCF-style: chr16-69136776-T-C. GRCh37 (hg19) VCF-style: chr16-69170679-T-C.
Other names: c.-10T>C (NM_001318391.2).
Identifiers: ClinVar variation 4989101 (VCV004989101.1).